The following is an entry in ClinVar:

NM_001376.5(DYNC1H1):c.9721A>G (p.Lys3241Glu)

Gene: DYNC1H1 (dynein cytoplasmic 1 heavy chain 1; plus strand). Cytogenetic location: 14q32.31.
Variant type: single nucleotide variant.
Coding change: c.9721A>G on transcript NM_001376.5 (MANE Select); coding-DNA position 9721, A replaced by G.
Protein change: p.Lys3241Glu; replaces lysine 3241 with glutamic acid.
Molecular consequence: missense variant.
Genome position (GRCh38, 1-based): chr14:102,029,897, A>G. VCF-style: chr14-102029897-A-G. GRCh37 (hg19) VCF-style: chr14-102496234-A-G.
Other names: short protein forms K3241E.
Identifiers: ClinVar variation 1720236 (VCV001720236.5), dbSNP rs2503812014, ClinGen allele CA391016992.

ClinVar aggregate classification (germline): Likely pathogenic (1 of 4 stars; one submission).

Conditions:
Charcot-Marie-Tooth disease axonal type 2O. Also called: CHARCOT-MARIE-TOOTH NEUROPATHY, AXONAL, TYPE 2O; CHARCOT-MARIE-TOOTH DISEASE, AXONAL, AUTOSOMAL DOMINANT, TYPE 2O; Charcot-Marie-Tooth disease, axonal, type 20; Charcot-Marie-Tooth Neuropathy Type 2O. Identifiers: Orphanet 284232, MedGen C3280220, MONDO:0013644, OMIM 614228.

Submission:

Labcorp Genetics (formerly Invitae), Labcorp
Classification: Likely pathogenic for Charcot-Marie-Tooth disease axonal type 2O. Last evaluated: 2023-08-23. Review status: criteria provided, single submitter. Criteria: Invitae Variant Classification Sherloc (09022015). Collection method: clinical testing. Allele origin: germline.
Comment: In summary, the currently available evidence indicates that the variant is pathogenic, but additional data are needed to prove that conclusively. Therefore, this variant has been classified as Likely Pathogenic. This variant disrupts the p.Lys3241 amino acid residue in DYNC1H1. Other variant(s) that disrupt this residue have been observed in individuals with DYNC1H1-related conditions (PMID: 23603762; Invitae), which suggests that this may be a clinically significant amino acid residue. Advanced modeling of protein sequence and biophysical properties (such as structural, functional, and spatial information, amino acid conservation, physicochemical variation, residue mobility, and thermodynamic stability) has been performed at Invitae for this missense variant, however the output from this modeling did not meet the statistical confidence thresholds required to predict the impact of this variant on DYNC1H1 protein function. ClinVar contains an entry for this variant (Variation ID: 1720236). This missense change has been observed in individual(s) with clinical features of DYNC1H1-related conditions (Invitae). In at least one individual the variant was observed to be de novo. This variant is not present in population databases (gnomAD no frequency). This sequence change replaces lysine, which is basic and polar, with glutamic acid, which is acidic and polar, at codon 3241 of the DYNC1H1 protein (p.Lys3241Glu).

Literature cited by the submitters: PubMed 23603762.